The following is an entry in ClinVar:

ClinVar aggregate classification (germline): Uncertain significance (1 of 4 stars; one submission).

Submission:

Labcorp Genetics (formerly Invitae), Labcorp
Classification: Uncertain significance. Last evaluated: 2025-09-15. Review status: criteria provided, single submitter. Criteria: Invitae Variant Classification Sherloc (09022015). Collection method: clinical testing. Allele origin: germline.
Comment: This sequence change replaces phenylalanine, which is neutral and non-polar, with serine, which is neutral and polar, at codon 3823 of the KMT2A protein (p.Phe3823Ser). This variant is not present in population databases (gnomAD no frequency). This variant has not been reported in the literature in individuals affected with KMT2A-related conditions. ClinVar contains an entry for this variant (Variation ID: 2693129). Invitae Evidence Modeling of protein sequence and biophysical properties (such as structural, functional, and spatial information, amino acid conservation, physicochemical variation, residue mobility, and thermodynamic stability) has been performed for this missense variant. However, the output from this modeling did not meet the statistical confidence thresholds required to predict the impact of this variant on KMT2A protein function. In summary, the available evidence is currently insufficient to determine the role of this variant in disease. Therefore, it has been classified as a Variant of Uncertain Significance.

NM_001197104.2(KMT2A):c.11468T>C (p.Phe3823Ser)

Genes: KMT2A (lysine methyltransferase 2A; plus strand), TTC36-AS1 (TTC36 and KMT2A antisense RNA 1; minus strand). Cytogenetic location: 11q23.3.
Variant type: single nucleotide variant.
Coding change: c.11468T>C on transcript NM_001197104.2 (MANE Select); coding-DNA position 11468, T replaced by C.
Protein change: p.Phe3823Ser; replaces phenylalanine 3823 with serine.
Molecular consequence: missense variant.
Genome position (GRCh38, 1-based): chr11:118,520,840, T>C. VCF-style: chr11-118520840-T-C. GRCh37 (hg19) VCF-style: chr11-118391555-T-C.
Other names: c.11558T>C, p.Phe3853Ser (NM_001412597.1); c.11459T>C, p.Phe3820Ser (NM_005933.4); short protein forms F3823S, F3853S, F3820S.
Identifiers: ClinVar variation 2693129 (VCV002693129.3), dbSNP rs2497120920, ClinGen allele CA382835144.